The following is an entry in ClinVar:

ClinVar aggregate classification (germline): Uncertain significance (1 of 4 stars; one submission).

Allele frequency attached by ClinVar (database versions not stated): TOPMed 0.00001.
gnomAD v4.1: 1 of 1,609,996 alleles (0.000062%); highest among the groups gnomAD compares: Non-Finnish European, 0.000085%; no homozygotes.

Submission:

Women's Health and Genetics/Laboratory Corporation of America, LabCorp
Classification: Uncertain significance. Last evaluated: 2023-07-13. Review status: criteria provided, single submitter. Criteria: LabCorp Variant Classification Summary - May 2015. Collection method: clinical testing. Allele origin: germline.
Comment: Variant summary: SCN8A c.1883G>A (p.Arg628His) results in a non-conservative amino acid change located in the Voltage-gated Na+ ion channel, cytoplasmic domain (IPR024583) of the encoded protein sequence. Four of five in-silico tools predict a damaging effect of the variant on protein function. The variant was absent in 238818 control chromosomes (gnomAD). The available data on variant occurrences in the general population are insufficient to allow any conclusion about variant significance. To our knowledge, no occurrence of c.1883G>A in individuals affected with Early Infantile Epileptic Encephalopathy 13 and no experimental evidence demonstrating its impact on protein function have been reported. No submitters have cited clinical-significance assessments for this variant to ClinVar after 2014. Based on the evidence outlined above, the variant was classified as uncertain significance.

NM_001330260.2(SCN8A):c.1883G>A (p.Arg628His)

Gene: SCN8A (sodium voltage-gated channel alpha subunit 8; plus strand). Cytogenetic location: 12q13.13.
Variant type: single nucleotide variant.
Coding change: c.1883G>A on transcript NM_001330260.2 (MANE Select); coding-DNA position 1883, G replaced by A.
Protein change: p.Arg628His; replaces arginine 628 with histidine.
Molecular consequence: missense variant.
Genome position (GRCh38, 1-based): chr12:51,721,793, G>A. VCF-style: chr12-51721793-G-A. GRCh37 (hg19) VCF-style: chr12-52115577-G-A.
Other names: c.1883G>A, p.Arg628His (NM_001177984.3, NM_001369788.1, NM_014191.4); short protein forms R628H.
Identifiers: ClinVar variation 2577096 (VCV002577096.1), dbSNP rs763701191, ClinGen allele CA385229790.